The following is an entry in ClinVar:

NM_207341.4(ZP1):c.1168del (p.Ile390fs)

Gene: ZP1 (zona pellucida glycoprotein 1; plus strand). Cytogenetic location: 11q12.2.
Variant type: Deletion.
Coding change: c.1168del on transcript NM_207341.4 (MANE Select); coding-DNA position 1168, one base deleted (A; older notation c.1168delA).
Protein change: p.Ile390fs; shifts the reading frame from isoleucine 390.
Molecular consequence: frameshift variant. On other transcripts: 5 prime UTR variant (1).
Genome position (GRCh38, 1-based): chr11:60,873,217, A deleted. VCF-style (leftmost placement, unchanged base first): chr11-60873216-CA-C. GRCh37 (hg19) VCF-style: chr11-60640689-CA-C.
Other names: c.1168delA (NM_207341.3, NM_207341.4); c.289del, p.Ile97fs (NM_001391943.1); c.-27del (NM_001391944.1); short protein forms I390fs, I97fs.
Identifiers: ClinVar variation 812693 (VCV000812693.5), dbSNP rs1590594352, ClinGen allele CA918892826.

ClinVar aggregate classification (germline): Pathogenic/Likely pathogenic. Review status: criteria provided, multiple submitters, no conflicts (2 of 4 stars). 4 submissions from 3 submitters: Pathogenic (1); Likely pathogenic (1). 2 of the submissions do not count toward it. Last evaluated 2025-12-16.

Conditions:
ZP1-related disorder. Also called: ZP1-related condition.
Female infertility due to zona pellucida defect (OZEMA1). Also called: Oocyte maturation defect 1; OOCYTE/ZYGOTE/EMBRYO MATURATION ARREST 1. Identifiers: Orphanet 404466, MedGen C4014291, MONDO:0014342, OMIM 615774.

Allele frequency attached by ClinVar (database versions not stated): gnomAD exomes 0.00001.

Submissions (4):

PreventionGenetics, part of Exact Sciences
Classification: Likely pathogenic for ZP1-related condition. Last evaluated: 2025-12-16. Review status: criteria provided, single submitter. Criteria: ACMG Guidelines, 2015. Collection method: clinical testing. Allele origin: germline.
Comment: The ZP1 c.1168delA variant is predicted to result in a frameshift and premature protein termination (p.Ile390Phefs*10). This variant was reported in an individual with empty ovarian follicle syndrome (Maddirevula et al. 2020. PubMed ID: 32172300; Table S1, AlAbdi et al. 2023. PubMed ID: 37644014). This variant has not been reported in a large population database (gnomAD), indicating this variant is rare. Frameshift variants in ZP1 are expected to be pathogenic. This variant is interpreted as likely pathogenic.

First Genomix Gene Laboratory, Genetic Diagnostics Department
Classification: Pathogenic for Female infertility due to zona pellucida defect. Last evaluated: 2025-01-17. Review status: criteria provided, single submitter. Criteria: ACMG Guidelines, 2015. Collection method: clinical testing. Allele origin: germline. Inheritance: Autosomal recessive inheritance. Affected: no. Observed: 1 variant allele.

Genomic Medicine Center of Excellence, King Faisal Specialist Hospital and Research Centre
Classification: Likely pathogenic for Female infertility due to zona pellucida defect. Last evaluated: 2020-01-27. Review status: no assertion criteria provided. Collection method: research. Allele origin: germline. Affected: yes. Not counted in ClinVar's aggregate classification.

Genomic Medicine Center of Excellence, King Faisal Specialist Hospital and Research Centre
Classification: Likely pathogenic for Female infertility due to zona pellucida defect. Last evaluated: 2024-03-26. Review status: flagged submission. Criteria: ACMG Guidelines, 2015. Collection method: clinical testing. Allele origin: germline. Not counted in ClinVar's aggregate classification.
ClinVar note: Reason: This record appears to be redundant with a more recent record from the same submitter.
ClinVar note: Notes: SCV004807010 appears to be redundant with SCV001161795.